The following is an entry in ClinVar:

NM_002907.4(RECQL):c.506A>C (p.His169Pro)

Gene: RECQL (RecQ like helicase; minus strand). Cytogenetic location: 12p12.1.
Variant type: single nucleotide variant.
Coding change: c.506A>C on transcript NM_002907.4 (MANE Select); coding-DNA position 506, A replaced by C.
Protein change: p.His169Pro; replaces histidine 169 with proline.
Molecular consequence: missense variant.
Genome position (GRCh38, 1-based): chr12:21,483,570, T>G on the plus strand (A>C on the coding strand, the complement: RECQL is on the minus strand). VCF-style: chr12-21483570-T-G. GRCh37 (hg19) VCF-style: chr12-21636504-T-G.
Other names: c.506A>C, p.His169Pro (NM_032941.3); short protein forms H169P.
Identifiers: ClinVar variation 1745139 (VCV001745139.2), dbSNP rs2540376238, ClinGen allele CA384128190.

ClinVar aggregate classification (germline): Uncertain significance (1 of 4 stars; one submission).

Submission:

Ambry Genetics
Classification: Uncertain significance. Last evaluated: 2021-07-19. Review status: criteria provided, single submitter. Criteria: Ambry Variant Classification Scheme 2023. Collection method: clinical testing. Allele origin: germline.
Comment: The p.H169P variant (also known as c.506A>C), located in coding exon 5 of the RECQL gene, results from an A to C substitution at nucleotide position 506. The histidine at codon 169 is replaced by proline, an amino acid with similar properties. This amino acid position is conserved. In addition, the in silico prediction for this alteration is inconclusive. Since supporting evidence is limited at this time, the clinical significance of this alteration remains unclear.